The following is an entry in ClinVar:

NM_006623.4(PHGDH):c.1295dup (p.Tyr432Ter)

Gene: PHGDH (phosphoglycerate dehydrogenase; plus strand). Cytogenetic location: 1p12.
Variant type: Duplication.
Coding change: c.1295dup on transcript NM_006623.4 (MANE Select); coding-DNA position 1295, one base duplicated (A; older notation c.1295dupA).
Protein change: p.Tyr432Ter; replaces tyrosine 432 with a stop codon.
Molecular consequence: nonsense.
Genome position (GRCh38, 1-based): chr1:119,742,892, A duplicated. VCF-style (leftmost placement, unchanged base first): chr1-119742891-T-TA. GRCh37 (hg19) VCF-style: chr1-120285514-T-TA.
Other names: short protein forms Y432*.
Identifiers: ClinVar variation 4815519 (VCV004815519.1).
Genomic context (GRCh38, chr1:119,742,891, plus strand): 5'-GCACCAGGGGAGCAAGGCTTCGGGGAATGCCTCCTGGCCGTGGCCCTGGCAGGCGCCCCT[T>TA]ACCAGGCTGTGGGCTTGGTCCAAGGCACTACGCCTGTACTGCAGGGGCTCAATGGAGCTG-3'

ClinVar aggregate classification (germline): Likely pathogenic (1 of 4 stars; one submission).

Conditions:
PHGDH deficiency. Identifiers: Orphanet 79351, MedGen C1866174, MONDO:0011152, OMIM 601815.

Submission:

Natera, Inc.
Classification: Likely pathogenic for Phosphoglycerate dehydrogenase deficiency. Last evaluated: 2025-09-29. Review status: criteria provided, single submitter. Criteria: Natera Variant Classification Schema (03/2026). Collection method: clinical testing. Allele origin: germline.
Comment: The c.1295dup variant in PHGDH is a frameshift variant predicted to shift the reading frame and introduce a stop codon. This variant is expected to result in nonsense mediated decay, truncation, or a dysfunctional protein product. This variant is rare in the general population with a frequency below the threshold expected for the associated phenotype(s). Given the available evidence, this variant is classified as Likely Pathogenic.